The following is an entry in ClinVar:

ClinVar aggregate classification (germline): Uncertain significance. Review status: criteria provided, multiple submitters, no conflicts (2 of 4 stars). 2 submissions from 2 submitters: Uncertain significance (2). Last evaluated 2025-07-15.

Conditions:
Inborn genetic diseases. Identifiers: MedGen C0950123, MeSH D030342.

Allele frequency attached by ClinVar (database versions not stated): gnomAD exomes below 0.00001; TOPMed 0.00001; gnomAD 0.00002.
gnomAD v4.1: 9 of 1,613,854 alleles (0.00056%); highest among the groups gnomAD compares: Non-Finnish European, 0.00076%; no homozygotes.

Submissions (2):

Ambry Genetics
Classification: Uncertain significance for Inborn genetic diseases. Last evaluated: 2025-07-15. Review status: criteria provided, single submitter. Criteria: Ambry Variant Classification Scheme 2023. Collection method: clinical testing. Allele origin: germline.

Labcorp Genetics (formerly Invitae), Labcorp
Classification: Uncertain significance. Last evaluated: 2023-12-11. Review status: criteria provided, single submitter. Criteria: Invitae Variant Classification Sherloc (09022015). Collection method: clinical testing. Allele origin: germline.
Comment: This sequence change replaces histidine, which is basic and polar, with tyrosine, which is neutral and polar, at codon 220 of the DNAJC21 protein (p.His220Tyr). This variant is not present in population databases (gnomAD no frequency). This variant has not been reported in the literature in individuals affected with DNAJC21-related conditions. ClinVar contains an entry for this variant (Variation ID: 1515658). An algorithm developed to predict the effect of missense changes on protein structure and function (PolyPhen-2) suggests that this variant is likely to be disruptive. In summary, the available evidence is currently insufficient to determine the role of this variant in disease. Therefore, it has been classified as a Variant of Uncertain Significance.

NM_001012339.3(DNAJC21):c.658C>T (p.His220Tyr)

Gene: DNAJC21 (DnaJ heat shock protein family (Hsp40) member C21; plus strand). Cytogenetic location: 5p13.2.
Variant type: single nucleotide variant.
Coding change: c.658C>T on transcript NM_001012339.3 (MANE Select); coding-DNA position 658, C replaced by T.
Protein change: p.His220Tyr; replaces histidine 220 with tyrosine.
Molecular consequence: missense variant.
Genome position (GRCh38, 1-based): chr5:34,937,545, C>T. VCF-style: chr5-34937545-C-T. GRCh37 (hg19) VCF-style: chr5-34937650-C-T.
Other names: c.658C>T, p.His220Tyr (NM_001348420.2, NM_194283.4); c.658C>T (NM_194283.3); short protein forms H220Y.
Identifiers: ClinVar variation 1515658 (VCV001515658.9), dbSNP rs990431933, ClinGen allele CA116891098.